The following is an entry in ClinVar:

NM_000329.3(RPE65):c.638A>C (p.Gln213Pro)

Gene: RPE65 (retinoid isomerohydrolase RPE65; minus strand). Cytogenetic location: 1p31.3.
Variant type: single nucleotide variant.
Coding change: c.638A>C on transcript NM_000329.3 (MANE Select); coding-DNA position 638, A replaced by C.
Protein change: p.Gln213Pro; replaces glutamine 213 with proline.
Molecular consequence: missense variant.
Genome position (GRCh38, 1-based): chr1:68,440,858, T>G on the plus strand (A>C on the coding strand, the complement: RPE65 is on the minus strand). VCF-style: chr1-68440858-T-G. GRCh37 (hg19) VCF-style: chr1-68906541-T-G.
Other names: short protein forms Q213P.
Identifiers: ClinVar variation 1441256 (VCV001441256.5), dbSNP rs1224080719, ClinGen allele CA340746763.

ClinVar aggregate classification (germline): Uncertain significance (1 of 4 stars; one submission).

Conditions:
Leber congenital amaurosis 2 (LCA2). Also called: Autosomal Recessive RPE65-Related Retinal Degeneration; AMAUROSIS CONGENITA OF LEBER II. Identifiers: Orphanet 65, MedGen C1859844, MONDO:0008765, OMIM 204100. Disease mechanism: loss of function.
Retinitis pigmentosa 20 (RP20). Identifiers: Orphanet 791, MedGen C3151086, MONDO:0013425, OMIM 613794.

Allele frequency attached by ClinVar (database versions not stated): gnomAD exomes below 0.00001; TOPMed below 0.00001.
gnomAD v4.1: 2 of 1,613,978 alleles (0.00012%); highest among the groups gnomAD compares: Non-Finnish European, 0.00017%; no homozygotes.

Submission:

Labcorp Genetics (formerly Invitae), Labcorp
Classification: Uncertain significance for Leber congenital amaurosis 2; Retinitis pigmentosa 20. Last evaluated: 2021-08-28. Review status: criteria provided, single submitter. Criteria: Invitae Variant Classification Sherloc (09022015). Collection method: clinical testing. Allele origin: germline.
Comment: This sequence change replaces glutamine with proline at codon 213 of the RPE65 protein (p.Gln213Pro). The glutamine residue is moderately conserved and there is a moderate physicochemical difference between glutamine and proline. This variant is not present in population databases (ExAC no frequency). This variant has not been reported in the literature in individuals affected with RPE65-related conditions. Algorithms developed to predict the effect of missense changes on protein structure and function (SIFT, PolyPhen-2, Align-GVGD) all suggest that this variant is likely to be tolerated. In summary, the available evidence is currently insufficient to determine the role of this variant in disease. Therefore, it has been classified as a Variant of Uncertain Significance.